The following is an entry in ClinVar:

NM_144997.7(FLCN):c.111C>G (p.Asp37Glu)

Gene: FLCN (folliculin; minus strand). Cytogenetic location: 17p11.2.
Variant type: single nucleotide variant.
Coding change: c.111C>G on transcript NM_144997.7 (MANE Select); coding-DNA position 111, C replaced by G.
Protein change: p.Asp37Glu; replaces aspartic acid 37 with glutamic acid.
Molecular consequence: missense variant.
Genome position (GRCh38, 1-based): chr17:17,228,027, G>C on the plus strand (C>G on the coding strand, the complement: FLCN is on the minus strand). VCF-style: chr17-17228027-G-C. GRCh37 (hg19) VCF-style: chr17-17131341-G-C.
Other names: c.111C>G, p.Asp37Glu (NM_001353229.2, NM_001353230.2, NM_001353231.2 and 1 more transcripts); short protein forms D37E.
Identifiers: ClinVar variation 2451832 (VCV002451832.2), dbSNP rs2145046942, ClinGen allele CA398535308.

ClinVar aggregate classification (germline): Uncertain significance (1 of 4 stars; one submission).

Conditions:
Hereditary cancer-predisposing syndrome. Also called: Neoplastic Syndromes, Hereditary; Tumor predisposition; Hereditary neoplastic syndrome; Hereditary Cancer Syndrome. Identifiers: Orphanet 140162, MedGen C0027672, MeSH D009386, MONDO:0015356.

Submission:

Ambry Genetics
Classification: Uncertain significance for Hereditary cancer-predisposing syndrome. Last evaluated: 2023-01-15. Review status: criteria provided, single submitter. Criteria: Ambry Variant Classification Scheme 2023. Collection method: clinical testing. Allele origin: germline.
Comment: The p.D37E variant (also known as c.111C>G), located in coding exon 1 of the FLCN gene, results from a C to G substitution at nucleotide position 111. The aspartic acid at codon 37 is replaced by glutamic acid, an amino acid with highly similar properties. This amino acid position is conserved. In addition, this alteration is predicted to be tolerated by in silico analysis. Since supporting evidence is limited at this time, the clinical significance of this alteration remains unclear.